The following is an entry in ClinVar:

NM_031935.3(HMCN1):c.15764T>C (p.Ile5255Thr)

Gene: HMCN1 (hemicentin 1; plus strand). Cytogenetic location: 1q31.1.
Variant type: single nucleotide variant.
Coding change: c.15764T>C on transcript NM_031935.3 (MANE Select); coding-DNA position 15764, T replaced by C.
Protein change: p.Ile5255Thr; replaces isoleucine 5255 with threonine.
Molecular consequence: missense variant.
Genome position (GRCh38, 1-based): chr1:186,172,081, T>C. VCF-style: chr1-186172081-T-C. GRCh37 (hg19) VCF-style: chr1-186141213-T-C.
Other names: short protein forms I5255T.
Identifiers: ClinVar variation 875963 (VCV000875963.10), dbSNP rs143665535, ClinGen allele CA1295367.

ClinVar aggregate classification (germline): Likely benign. Review status: criteria provided, multiple submitters, no conflicts (2 of 4 stars). 3 submissions from 3 submitters: Likely benign (3). Last evaluated 2025-12-19.

Conditions:
Age related macular degeneration 1 (ARMD1). Also called: MACULOPATHY, AGE-RELATED, 1. Identifiers: MedGen C1864205, MONDO:0011285, OMIM 603075.

Allele frequency attached by ClinVar (database versions not stated): ExAC 0.00028; gnomAD exomes 0.00037 and 0.00094; gnomAD 0.00048 and 0.00051; TOPMed 0.00048; ESP Exome Variant Server 0.00077; 1000 Genomes Project 0.00080; 1000 Genomes Project 30x 0.00109.
gnomAD v4.1: 1,469 of 1,613,888 alleles (0.091%); highest among the groups gnomAD compares: Non-Finnish European, 0.11%; 2 homozygotes.

Submissions (3):

Labcorp Genetics (formerly Invitae), Labcorp
Classification: Likely benign. Last evaluated: 2025-12-19. Review status: criteria provided, single submitter. Criteria: Invitae Variant Classification Sherloc (09022015). Collection method: clinical testing. Allele origin: germline.

Genome-Nilou Lab
Classification: Likely benign for Age related macular degeneration 1. Last evaluated: 2023-04-11. Review status: criteria provided, single submitter. Criteria: ACMG Guidelines, 2015. Collection method: clinical testing. Allele origin: germline. Affected: no.

Illumina Laboratory Services, Illumina
Classification: Likely benign for Age related macular degeneration 1. Last evaluated: 2017-04-27. Review status: criteria provided, single submitter. Criteria: ICSL Variant Classification Criteria 13 December 2019. Collection method: clinical testing. Allele origin: germline.
Comment: This variant was observed as part of a predisposition screen in an ostensibly healthy population. A literature search was performed for the gene, cDNA change, and amino acid change (where applicable). Publications were found based on this search. The evidence from the literature, in combination with allele frequency data from public databases where available, was sufficient to determine this variant is unlikely to cause disease. Therefore, this variant is classified as likely benign.

Literature cited by the submitters: PubMed 25133751 (cited by Illumina Laboratory Services, Illumina).